The following is an entry in ClinVar:

NM_005670.4(EPM2A):c.878A>T (p.Gln293Leu)

Gene: EPM2A (EPM2A glucan phosphatase, laforin; minus strand). Cytogenetic location: 6q24.3.
Variant type: single nucleotide variant.
Coding change: c.878A>T on transcript NM_005670.4 (MANE Select); coding-DNA position 878, A replaced by T.
Protein change: p.Gln293Leu; replaces glutamine 293 with leucine.
Molecular consequence: missense variant. On other transcripts: synonymous variant (1), non-coding transcript variant (1).
Genome position (GRCh38, 1-based): chr6:145,627,534, T>A on the plus strand (A>T on the coding strand, the complement: EPM2A is on the minus strand). VCF-style: chr6-145627534-T-A. GRCh37 (hg19) VCF-style: chr6-145948670-T-A.
Other names: p.Q293L:CAG>CTG; NM_005670.4(EPM2A):c.878A>T; c.878A>T, p.Gln293Leu (NM_001018041.2); c.636A>T, p.Ala212= (NM_001360057.2); c.464A>T, p.Gln155Leu (NM_001360064.2, NM_001360071.2, NM_001368131.1); c.416A>T, p.Gln139Leu (NM_001368129.2, NM_001368132.1); short protein forms Q293L, Q139L, Q155L.
Identifiers: ClinVar variation 205434 (VCV000205434.4), dbSNP rs796052427, ClinGen allele CA314502.

ClinVar aggregate classification (germline): Likely pathogenic. Review status: criteria provided, multiple submitters, no conflicts (2 of 4 stars). 2 submissions from 2 submitters: Likely pathogenic (2). Last evaluated 2025-12-08.

Conditions:
Lafora disease. Also called: Epilepsy progressive myoclonic 2. Identifiers: Orphanet 501, MedGen C0751783, MONDO:0009697.

gnomAD v4.1: 11 of 1,614,228 alleles (0.00068%); highest among the groups gnomAD compares: Non-Finnish European, 0.00093%; no homozygotes.

Submissions (2):

GeneDx
Classification: Likely pathogenic. Last evaluated: 2025-12-08. Review status: criteria provided, single submitter. Criteria: GeneDx Variant Classification Process June 2021. Collection method: clinical testing. Allele origin: germline. Affected: yes.
Comment: Published functional studies demonstrate that the variant causes significantly reduced enzyme activity and is unstable, insoluble and ubiquitinated, and accumulates in aggresome-like structures (PMID: 19403557, 14532330); In silico analysis suggests that this missense variant does not alter protein structure/function; Not observed at significant frequency in large population cohorts (gnomAD); This variant is associated with the following publications: (PMID: 18029386, 17337485, 21652633, 19542233, 9345091, 11001928, 14532330, 19403557, 12019207, 9771710)

Broad Center for Mendelian Genomics, Broad Institute of MIT and Harvard
Classification: Likely pathogenic for Lafora disease. Last evaluated: 2025-01-03. Review status: criteria provided, single submitter. Criteria: ACMG Guidelines, 2015. Collection method: curation. Allele origin: germline. Inheritance: Autosomal recessive inheritance.
Comment: The p.Gln293Leu variant in EPM2A has been reported, in the homozygous state, in 3 family members with Lafora Disease (PMID: 9771710), segregated with disease in those 3 affected relatives from 1 family (PMID: 12019207), and has been identified in 0.001% (11/1111990) of European (non Finnish) chromosomes by the Genome Aggregation Database (gnomAD; dbSNP rs796052427). Although this variant has been seen in the general population in a heterozygous state, its frequency is low enough to be consistent with a recessive carrier frequency. This variant has also been reported in ClinVar (Variation ID: 205434) and has been interpreted as pathogenic by GeneDx. In vitro functional studies provide evidence that the p.Gln293Leu variant may impact protein function (PMID: 12019207, 14532330, 17337485). However, these types of assays may not accurately represent biological function. Computational prediction tools and conservation analyses suggest that this variant may impact the protein, though this information is not predictive enough to determine pathogenicity. The phenotype of individuals homozygous for this variant is highly specific for Lafora disease based on biopsies showing lafora bodies consistent with disease (PMID: 9771710). In summary, although additional studies are required to fully establish its clinical significance, this variant is likely pathogenic for autosomal recessive Lafora disease. ACMG/AMP Criteria applied: PS3_moderate, PP1, PP4, PM2_supporting, PM3_supporting (Richards 2015).

Literature cited by the submitters: PubMed 12019207 (cited by Broad Center for Mendelian Genomics, Broad Institute of MIT and Harvard); PubMed 17337485 (cited by Broad Center for Mendelian Genomics, Broad Institute of MIT and Harvard); PubMed 14532330 (cited by Broad Center for Mendelian Genomics, Broad Institute of MIT and Harvard).